The following is an entry in ClinVar:

NM_170707.4(LMNA):c.1501G>A (p.Gly501Arg)

Gene: LMNA (lamin A/C; plus strand). Cytogenetic location: 1q22.
Variant type: single nucleotide variant.
Coding change: c.1501G>A on transcript NM_170707.4 (MANE Select); coding-DNA position 1501, G replaced by A.
Protein change: p.Gly501Arg; replaces glycine 501 with arginine.
Molecular consequence: missense variant.
Genome position (GRCh38, 1-based): chr1:156,137,125, G>A. VCF-style: chr1-156137125-G-A. GRCh37 (hg19) VCF-style: chr1-156106916-G-A.
Other names: c.1165G>A, p.Gly389Arg (NM_001257374.3, NM_001406989.1, NM_001406998.1); c.1258G>A, p.Gly420Arg (NM_001282624.2, NM_001406986.1, NM_001406987.1); c.1501G>A, p.Gly501Arg (NM_001282625.2, NM_001282626.2, NM_001406983.1 and 6 more transcripts); c.1204G>A, p.Gly402Arg (NM_001406988.1); c.943G>A, p.Gly315Arg (NM_001406990.1, NM_001406993.1, NM_001406995.1 and 4 more transcripts); c.877G>A, p.Gly293Arg (NM_001406994.1, NM_001406999.1, NM_001407000.1 and 1 more transcripts); short protein forms G293R, G315R, G389R, G402R, G420R, G501R.
Identifiers: ClinVar variation 2177312 (VCV002177312.6), dbSNP rs1050818529, ClinGen allele CA31014317.

ClinVar aggregate classification (germline): Uncertain significance. Review status: criteria provided, multiple submitters, no conflicts (2 of 4 stars). 3 submissions from 3 submitters: Uncertain significance (3). Last evaluated 2025-08-18.

Conditions:
Primary dilated cardiomyopathy (DCM). Also called: Dilated Cardiomyopathy. Identifiers: Orphanet 217604, MedGen C0007193, MeSH D002311, MONDO:0005021, HP:0001644. Inheritance: Various modes of inheritance.
Charcot-Marie-Tooth disease type 2. Also called: Charcot-Marie-Tooth type 2. Identifiers: Orphanet 64746, MedGen C0270914, MONDO:0018993.
Cardiovascular phenotype. Identifiers: MedGen CN230736.

Allele frequency attached by ClinVar (database versions not stated): gnomAD exomes below 0.00001; TOPMed 0.00002; gnomAD 0.00001.
gnomAD v4.1: 4 of 1,613,722 alleles (0.00025%); highest among the groups gnomAD compares: Middle Eastern, 0.016%; no homozygotes.

Submissions (3):

Labcorp Genetics (formerly Invitae), Labcorp
Classification: Uncertain significance for Charcot-Marie-Tooth disease type 2. Last evaluated: 2025-08-18. Review status: criteria provided, single submitter. Criteria: Invitae Variant Classification Sherloc (09022015). Collection method: clinical testing. Allele origin: germline.
Comment: This sequence change replaces glycine, which is neutral and non-polar, with arginine, which is basic and polar, at codon 501 of the LMNA protein (p.Gly501Arg). This variant is present in population databases (no rsID available, gnomAD 0.008%). This variant has not been reported in the literature in individuals affected with LMNA-related conditions. ClinVar contains an entry for this variant (Variation ID: 2177312). Invitae Evidence Modeling of protein sequence and biophysical properties (such as structural, functional, and spatial information, amino acid conservation, physicochemical variation, residue mobility, and thermodynamic stability) indicates that this missense variant is expected to disrupt LMNA protein function with a positive predictive value of 95%. In summary, the available evidence is currently insufficient to determine the role of this variant in disease. Therefore, it has been classified as a Variant of Uncertain Significance.

All of Us Research Program, National Institutes of Health
Classification: Uncertain significance for Primary dilated cardiomyopathy. Last evaluated: 2023-12-01. Review status: criteria provided, single submitter. Criteria: ACMG Guidelines, 2015. Collection method: clinical testing. Allele origin: germline. Inheritance: Autosomal dominant inheritance. Observed: 1 variant allele, 1 heterozygote.
Comment: This study involves interpretation of variants in research participants for the purpose of population health screening. Participant phenotype was not available at the time of variant classification. Additional details can be found in publication PMID: 35346344, PMCID: PMC8962531

Ambry Genetics
Classification: Uncertain significance for Cardiovascular phenotype. Last evaluated: 2023-08-23. Review status: criteria provided, single submitter. Criteria: Ambry Variant Classification Scheme 2023. Collection method: clinical testing. Allele origin: germline.
Comment: The p.G501R variant (also known as c.1501G>A), located in coding exon 9 of the LMNA gene, results from a G to A substitution at nucleotide position 1501. The glycine at codon 501 is replaced by arginine, an amino acid with dissimilar properties. This amino acid position is well conserved in available vertebrate species. In addition, this alteration is predicted to be deleterious by in silico analysis. Since supporting evidence is limited at this time, the clinical significance of this alteration remains unclear.